The following is an entry in ClinVar:

ClinVar aggregate classification (germline): Uncertain significance. Review status: criteria provided, multiple submitters, no conflicts (2 of 4 stars). 2 submissions from 2 submitters: Uncertain significance (2). Last evaluated 2024-09-19.

Conditions:
Hereditary cancer-predisposing syndrome. Also called: Tumor predisposition; Neoplastic Syndromes, Hereditary; Hereditary neoplastic syndrome; Hereditary Cancer Syndrome. Identifiers: Orphanet 140162, MedGen C0027672, MeSH D009386, MONDO:0015356.
Rhabdoid tumor predisposition syndrome 2 (RTPS2). Identifiers: Orphanet 231108, Orphanet 69077, MedGen C2750074, MONDO:0013224, OMIM 613325.

Submissions (2):

Ambry Genetics
Classification: Uncertain significance for Hereditary cancer-predisposing syndrome. Last evaluated: 2024-09-19. Review status: criteria provided, single submitter. Criteria: Ambry Variant Classification Scheme 2023. Collection method: clinical testing. Allele origin: germline.
Comment: The p.V420M variant (also known as c.1258G>A), located in coding exon 7 of the SMARCA4 gene, results from a G to A substitution at nucleotide position 1258. The valine at codon 420 is replaced by methionine, an amino acid with highly similar properties. This amino acid position is conserved. In addition, the in silico prediction for this alteration is inconclusive. Based on the available evidence, the clinical significance of this variant remains unclear.

Labcorp Genetics (formerly Invitae), Labcorp
Classification: Uncertain significance for Rhabdoid tumor predisposition syndrome 2. Last evaluated: 2024-08-14. Review status: criteria provided, single submitter. Criteria: Invitae Variant Classification Sherloc (09022015). Collection method: clinical testing. Allele origin: germline.
Comment: This sequence change replaces valine, which is neutral and non-polar, with methionine, which is neutral and non-polar, at codon 420 of the SMARCA4 protein (p.Val420Met). This variant is not present in population databases (gnomAD no frequency). This variant has not been reported in the literature in individuals affected with SMARCA4-related conditions. Invitae Evidence Modeling of protein sequence and biophysical properties (such as structural, functional, and spatial information, amino acid conservation, physicochemical variation, residue mobility, and thermodynamic stability) has been performed for this missense variant. However, the output from this modeling did not meet the statistical confidence thresholds required to predict the impact of this variant on SMARCA4 protein function. In summary, the available evidence is currently insufficient to determine the role of this variant in disease. Therefore, it has been classified as a Variant of Uncertain Significance.

NM_003072.5(SMARCA4):c.1258G>A (p.Val420Met)

Gene: SMARCA4 (SWI/SNF related BAF chromatin remodeling complex subunit ATPase 4; plus strand). Cytogenetic location: 19p13.2.
Variant type: single nucleotide variant.
Coding change: c.1258G>A on transcript NM_003072.5 (MANE Select); coding-DNA position 1258, G replaced by A.
Protein change: p.Val420Met; replaces valine 420 with methionine.
Molecular consequence: missense variant. On other transcripts: non-coding transcript variant (1).
Genome position (GRCh38, 1-based): chr19:10,991,162, G>A. VCF-style: chr19-10991162-G-A. GRCh37 (hg19) VCF-style: chr19-11101838-G-A.
Other names: c.1258G>A, p.Val420Met (NM_001128844.3, NM_001128845.2, NM_001128846.2 and 6 more transcripts); short protein forms V420M.
Identifiers: ClinVar variation 3446003 (VCV003446003.3).